The following is an entry in ClinVar:

NM_000525.4(KCNJ11):c.992C>G (p.Ser331Cys)

Gene: KCNJ11 (potassium inwardly rectifying channel subfamily J member 11; minus strand). Cytogenetic location: 11p15.1.
Variant type: single nucleotide variant.
Coding change: c.992C>G on transcript NM_000525.4 (MANE Select); coding-DNA position 992, C replaced by G.
Protein change: p.Ser331Cys; replaces serine 331 with cysteine.
Molecular consequence: missense variant.
Genome position (GRCh38, 1-based): chr11:17,387,100, G>C on the plus strand (C>G on the coding strand, the complement: KCNJ11 is on the minus strand). VCF-style: chr11-17387100-G-C. GRCh37 (hg19) VCF-style: chr11-17408647-G-C.
Other names: c.731C>G, p.Ser244Cys (NM_001166290.2, NM_001377296.1, NM_001377297.1); short protein forms S244C, S331C.
Identifiers: ClinVar variation 1338465 (VCV001338465.9), dbSNP rs763728797, ClinGen allele CA5902204.

ClinVar aggregate classification (germline): Uncertain significance. Review status: criteria provided, multiple submitters, no conflicts (2 of 4 stars). 3 submissions from 3 submitters: Uncertain significance (3). Last evaluated 2022-12-02.

Conditions:
Maturity-onset diabetes of the young type 13. Also called: MODY, TYPE 13. Identifiers: Orphanet 552, MedGen C4225365, MONDO:0014589, OMIM 616329.

Allele frequency attached by ClinVar (database versions not stated): gnomAD exomes below 0.00001 and 0.00001; ExAC 0.00001.
gnomAD v4.1: 2 of 1,614,204 alleles (0.00012%); highest among the groups gnomAD compares: Admixed American, 0.0033%; no homozygotes.

Submissions (3):

Labcorp Genetics (formerly Invitae), Labcorp
Classification: Uncertain significance. Last evaluated: 2022-12-02. Review status: criteria provided, single submitter. Criteria: Invitae Variant Classification Sherloc (09022015). Collection method: clinical testing. Allele origin: germline.
Comment: This variant is present in population databases (rs763728797, gnomAD 0.006%). This variant has not been reported in the literature in individuals affected with KCNJ11-related conditions. ClinVar contains an entry for this variant (Variation ID: 1338465). Advanced modeling of protein sequence and biophysical properties (such as structural, functional, and spatial information, amino acid conservation, physicochemical variation, residue mobility, and thermodynamic stability) performed at Invitae indicates that this missense variant is expected to disrupt KCNJ11 protein function. In summary, the available evidence is currently insufficient to determine the role of this variant in disease. Therefore, it has been classified as a Variant of Uncertain Significance. This sequence change replaces serine, which is neutral and polar, with cysteine, which is neutral and slightly polar, at codon 331 of the KCNJ11 protein (p.Ser331Cys).

3billion
Classification: Uncertain significance for Maturity-onset diabetes of the young type 13. Last evaluated: 2022-03-22. Review status: criteria provided, single submitter. Criteria: ACMG Guidelines, 2015. Collection method: clinical testing. Allele origin: germline. Affected: yes. Observed: 1 heterozygote.
Comment: The variant is observed at an extremely low frequency in the gnomAD v2.1.1 dataset (total allele frequency: 0.000008). In silico tool predictions suggest damaging effect of the variant on gene or gene product (REVEL: 0.813>=0.6, 3CNET: 0.992>=0.75). A missense variant is a common mechanism . Therefore, this variant is classified as uncertain significance according to the recommendation of ACMG/AMP guideline.

Genetic Services Laboratory, University of Chicago
Classification: Uncertain significance. Last evaluated: 2018-11-29. Review status: criteria provided, single submitter. Criteria: ACMG Guidelines, 2015. Collection method: clinical testing. Allele origin: germline. Affected: no.